The following is an entry in ClinVar:

ClinVar aggregate classification (germline): Conflicting classifications of pathogenicity. Review status: criteria provided, conflicting classifications (1 of 4 stars). 3 submissions from 3 submitters: Uncertain significance (1); Likely benign (2). Last evaluated 2026-01-05.

Conditions:
Hyperprolinemia type 2 (HYRPRO2). Also called: 1-PYRROLINE-5-CARBOXYLATE DEHYDROGENASE DEFICIENCY; Delta-1-pyrroline-5-carboxylate dehydrogenase deficiency; Deficiency of pyrroline-5-carboxylate reductase. Identifiers: Orphanet 79101, MedGen C2931835, MONDO:0009401, OMIM 239510.

Allele frequency attached by ClinVar (database versions not stated): gnomAD exomes 0.00042; ExAC 0.00119; gnomAD 0.00186 and 0.00197; TOPMed 0.00193; ESP Exome Variant Server 0.00205; 1000 Genomes Project 0.00220; 1000 Genomes Project 30x 0.00250.
gnomAD v4.1: 490 of 1,552,204 alleles (0.032%); highest among the groups gnomAD compares: African/African-American, 0.58%; no homozygotes.

Submissions (3):

Labcorp Genetics (formerly Invitae), Labcorp
Classification: Likely benign for Hyperprolinemia type 2. Last evaluated: 2026-01-05. Review status: criteria provided, single submitter. Criteria: Invitae Variant Classification Sherloc (09022015). Collection method: clinical testing. Allele origin: germline.

Women's Health and Genetics/Laboratory Corporation of America, LabCorp
Classification: Likely benign. Last evaluated: 2024-06-10. Review status: criteria provided, single submitter. Criteria: LabCorp Variant Classification Summary - May 2015. Collection method: clinical testing. Allele origin: germline.
Comment: Variant summary: ALDH4A1 c.244G>A (p.Val82Met) results in a conservative amino acid change located in the Aldehyde dehydrogenase domain (IPR015590) of the encoded protein sequence. Three of five in-silico tools predict a damaging effect of the variant on protein function. The variant allele was found at a frequency of 0.00042 in 157704 control chromosomes, predominantly at a frequency of 0.0066 within the African or African-American subpopulation in the gnomAD database, including 1 homozygote. The observed variant frequency within African or African-American control individuals in the gnomAD database exceeds the estimated maximal expected allele frequency for a pathogenic variant in ALDH4A1 causing Deficiency of pyrroline-5-carboxylate reductase phenotype. To our knowledge, no occurrence of c.244G>A in individuals affected with Deficiency of pyrroline-5-carboxylate reductase and no experimental evidence demonstrating its impact on protein function have been reported. ClinVar contains an entry for this variant (Variation ID: 697665). Based on the evidence outlined above, the variant was classified as likely benign.

Illumina Laboratory Services, Illumina
Classification: Uncertain significance for Hyperprolinemia type 2. Last evaluated: 2018-01-12. Review status: criteria provided, single submitter. Criteria: ICSL Variant Classification Criteria 13 December 2019. Collection method: clinical testing. Allele origin: germline.

NM_003748.4(ALDH4A1):c.244G>A (p.Val82Met)

Gene: ALDH4A1 (aldehyde dehydrogenase 4 family member A1; minus strand). Cytogenetic location: 1p36.13.
Variant type: single nucleotide variant.
Coding change: c.244G>A on transcript NM_003748.4 (MANE Select); coding-DNA position 244, G replaced by A.
Protein change: p.Val82Met; replaces valine 82 with methionine.
Molecular consequence: missense variant.
Genome position (GRCh38, 1-based): chr1:18,889,367, C>T on the plus strand (G>A on the coding strand, the complement: ALDH4A1 is on the minus strand). VCF-style: chr1-18889367-C-T. GRCh37 (hg19) VCF-style: chr1-19215861-C-T.
Other names: c.64G>A, p.Val22Met (NM_001161504.2); c.244G>A, p.Val82Met (NM_001319218.2, NM_170726.3); short protein forms V82M, V22M.
Identifiers: ClinVar variation 697665 (VCV000697665.16), dbSNP rs76762510, ClinGen allele CA647450.